The following is an entry in ClinVar:

NM_019842.4(KCNQ5):c.496G>A (p.Val166Met)

Gene: KCNQ5 (potassium voltage-gated channel subfamily Q member 5; plus strand). Cytogenetic location: 6q13.
Variant type: single nucleotide variant.
Coding change: c.496G>A on transcript NM_019842.4 (MANE Select); coding-DNA position 496, G replaced by A.
Protein change: p.Val166Met; replaces valine 166 with methionine.
Molecular consequence: missense variant.
Genome position (GRCh38, 1-based): chr6:73,041,942, G>A. VCF-style: chr6-73041942-G-A. GRCh37 (hg19) VCF-style: chr6-73751665-G-A.
Other names: c.496G>A, p.Val166Met (NM_001160130.2, NM_001160132.2, NM_001160133.2 and 1 more transcripts); short protein forms V166M.
Identifiers: ClinVar variation 3384194 (VCV003384194.2).
Genomic context (GRCh38, chr6:73,041,942, plus strand): 5'-ACTGTGGTTTGCTCCATAATGCTTCTCTCTGATATGTCTTATCTGATATTTTAGGAGTTC[G>A]TGATGATTGTCGTCTTTGGTTTGGAGTTCATCATTCGAATCTGGTCTGCGGGTTGCTGTT-3'
Protein context (NP_062816.2, residues 156-176): ASSCLLILEF[Val166Met]MIVVFGLEFI

ClinVar aggregate classification (germline): Uncertain significance (1 of 4 stars; one submission).

Conditions:
Autosomal dominant non-syndromic intellectual disability. Identifiers: Orphanet 178469, MedGen C5680502, MONDO:0015802.

gnomAD v4.1: 4 of 1,613,698 alleles (0.00025%); highest among the groups gnomAD compares: South Asian, 0.0011%; no homozygotes.

Submission:

Excellence Center for Genomics and Precision Medicine, King Chulalongkorn Memorial Hospital
Classification: Uncertain significance for Autosomal dominant non-syndromic intellectual disability. Last evaluated: 2024-10-01. Review status: criteria provided, single submitter. Criteria: ACMG Guidelines, 2015. Collection method: clinical testing. Allele origin: germline. Inheritance: Autosomal dominant inheritance. Affected: yes. Observed: 1 heterozygote.
Comment: PP3_Moderate: For a missense variant, computational prediction tools support a deleterious effect on the gene. REVEL score: Deleterious (Moderate) (0.84) PP4_Moderate: Patient's phenotype or family history is highly specific for a disease with a single genetic etiology PP2: Missense variant in a gene with low rate of benign missense mutations and for which missense mutation is a common mechanism of a disease (Z score = 3.14)